The following is an entry in ClinVar:

ClinVar aggregate classification (germline): Likely benign. Review status: criteria provided, multiple submitters, no conflicts (2 of 4 stars). 4 submissions from 4 submitters: Likely benign (3). 1 of the submissions does not count toward it. Last evaluated 2025-10-26.

Conditions:
COLGALT1-related disorder. Also called: COLGALT1-related condition.

Allele frequency attached by ClinVar (database versions not stated): ExAC 0.00037; TOPMed 0.00037; gnomAD 0.00042; gnomAD exomes 0.00077.

Submissions (4):

Labcorp Genetics (formerly Invitae), Labcorp
Classification: Likely benign. Last evaluated: 2025-10-26. Review status: criteria provided, single submitter. Criteria: Invitae Variant Classification Sherloc (09022015). Collection method: clinical testing. Allele origin: germline.

CeGaT Center for Human Genetics Tuebingen
Classification: Likely benign. Last evaluated: 2025-06-01. Review status: criteria provided, single submitter. Criteria: CeGaT Center For Human Genetics Tuebingen Variant Classification Criteria Version 2. Collection method: clinical testing. Allele origin: germline. Affected: yes. Observed: 1 variant allele.
Comment: COLGALT1: BP4, BP7

Blueprint Genetics
Classification: Likely benign. Last evaluated: 2024-11-27. Review status: criteria provided, single submitter. Criteria: ACMG Guidelines, 2015. Collection method: clinical testing. Allele origin: germline.

PreventionGenetics, part of Exact Sciences
Classification: Likely benign for COLGALT1-related condition. Last evaluated: 2019-07-12. Review status: no assertion criteria provided. Collection method: clinical testing. Allele origin: germline. Not counted in ClinVar's aggregate classification.
Comment: This variant is classified as likely benign based on ACMG/AMP sequence variant interpretation guidelines (Richards et al. 2015 PMID: 25741868, with internal and published modifications).

NM_024656.4(COLGALT1):c.1821G>A (p.Ser607=)

Gene: COLGALT1 (collagen beta(1-O)galactosyltransferase 1; plus strand). Cytogenetic location: 19p13.11.
Variant type: single nucleotide variant.
Coding change: c.1821G>A on transcript NM_024656.4 (MANE Select); coding-DNA position 1821, G replaced by A.
Protein change: p.Ser607=; no amino-acid change (serine 607 retained).
Molecular consequence: synonymous variant.
Genome position (GRCh38, 1-based): chr19:17,581,396, G>A. VCF-style: chr19-17581396-G-A. GRCh37 (hg19) VCF-style: chr19-17692205-G-A.
Other names: c.1821G>A (NM_024656.3).
Identifiers: ClinVar variation 2049365 (VCV002049365.15), dbSNP rs553507948, ClinGen allele CA9297444.
Genomic context (GRCh38, chr19:17,581,396, plus strand): 5'-CCGCGCCAAGTCCCAGAAGATGCGGGAGCAGCAGGCACTGAGCCGTGAGGCCAAGAACTC[G>A]GACGTGCTCCAGTCCCCACTGGACAGTGCTGCCCGGGATGAACTCTGAGGGGTAGCAGCC-3'
Protein context (NP_078932.2, residues 597-617): QQALSREAKN[Ser607=]DVLQSPLDSA